The following is an entry in ClinVar:

ClinVar aggregate classification (germline): Uncertain significance (1 of 4 stars; one submission).

Conditions:
Thrombophilia due to activated protein C resistance (THPH2). Also called: PCCF DEFICIENCY; PROC COFACTOR DEFICIENCY; THROMBOPHILIA DUE TO DEFICIENCY OF ACTIVATED PROTEIN C COFACTOR; THROMBOPHILIA V; Hereditary Resistance to Activated Protein C; Activated protein C resistance. Identifiers: MedGen C1861171, MONDO:0008560, OMIM 188055. Disease mechanism: loss of function, gain of function.

Submission:

Neuberg Centre For Genomic Medicine, NCGM
Classification: Uncertain significance for Thrombophilia due to activated protein C resistance. Review status: criteria provided, single submitter. Criteria: ACMG Guidelines, 2015. Collection method: clinical testing. Allele origin: germline. Inheritance: Autosomal dominant inheritance. Affected: yes.
Comment: The missense c.1700G>Ap.Cys567Tyr variant in F5 gene has not been reported previously as a pathogenic variant nor as a benign variant, to our knowledge. This variant is novel not in any individuals in gnomAD Exomes and 1000 Genomes. The amino acid Cys at position 567 is changed to a Tyr changing protein sequence and it might alter its composition and physico-chemical properties. The amino acid change p.Cys567Tyr in F5 is predicted as conserved by GERP++ and PhyloP across 100 vertebrates. The variant is predicted as damaging by SIFT. For these reasons, this variant has been classified as Uncertain Significance.

NM_000130.5(F5):c.1700G>A (p.Cys567Tyr)

Gene: F5 (coagulation factor V; minus strand). Cytogenetic location: 1q24.2.
Variant type: single nucleotide variant.
Coding change: c.1700G>A on transcript NM_000130.5 (MANE Select); coding-DNA position 1700, G replaced by A.
Protein change: p.Cys567Tyr; replaces cysteine 567 with tyrosine.
Molecular consequence: missense variant.
Genome position (GRCh38, 1-based): chr1:169,546,504, C>T on the plus strand (G>A on the coding strand, the complement: F5 is on the minus strand). VCF-style: chr1-169546504-C-T. GRCh37 (hg19) VCF-style: chr1-169515742-C-T.
Other names: short protein forms C567Y.
Identifiers: ClinVar variation 3234890 (VCV003234890.1), dbSNP rs2526406532, ClinGen allele CA343123867.